The following is an entry in ClinVar:

NC_000009.12:g.35657923C>A

Gene: RMRP (RNA component of mitochondrial RNA processing endoribonuclease; minus strand). Cytogenetic location: 9p13.3.
Variant type: single nucleotide variant.
Genome position: GRCh38 VCF-style: chr9-35657923-C-A. GRCh37 (hg19) VCF-style: chr9-35657920-C-A.
Identifiers: ClinVar variation 1345782 (VCV001345782.5), dbSNP rs970510851, ClinGen allele CA192745645.

ClinVar aggregate classification (germline): Uncertain significance (1 of 4 stars; one submission).

Conditions:
Anauxetic dysplasia. Identifiers: Orphanet 93347, MedGen C1846796, MONDO:0011773.

gnomAD v4.1: 1 of 700,336 alleles (0.00014%); highest among the groups gnomAD compares: Non-Finnish European, 0.00026%; no homozygotes.

Submission:

Labcorp Genetics (formerly Invitae), Labcorp
Classification: Uncertain significance for Anauxetic dysplasia. Last evaluated: 2021-07-12. Review status: criteria provided, single submitter. Criteria: Invitae Variant Classification Sherloc (09022015). Collection method: clinical testing. Allele origin: germline.
Comment: This variant has not been reported in the literature in individuals affected with RMRP-related conditions. In summary, the available evidence is currently insufficient to determine the role of this variant in disease. Therefore, it has been classified as a Variant of Uncertain Significance. Experimental studies and prediction algorithms are not available or were not evaluated, and the functional significance of this variant is currently unknown. The frequency data for this variant in the population databases is considered unreliable, as metrics indicate insufficient coverage at this position in the ExAC database. This variant occurs in the RMRP gene, which encodes an RNA molecule that does not result in a protein product.